The following is an entry in ClinVar:

NM_006258.4(PRKG1):c.114G>C (p.Leu38=)

Gene: PRKG1 (protein kinase cGMP-dependent 1; plus strand). Cytogenetic location: 10q11.23.
Variant type: single nucleotide variant.
Coding change: c.114G>C on transcript NM_006258.4 (MANE Select); coding-DNA position 114, G replaced by C.
Protein change: p.Leu38=; no amino-acid change (leucine 38 retained).
Molecular consequence: synonymous variant. On other transcripts: intron variant (1).
Genome position (GRCh38, 1-based): chr10:51,074,704, G>C. VCF-style: chr10-51074704-G-C. GRCh37 (hg19) VCF-style: chr10-52834464-G-C.
Other names: c.114G>C, p.Leu38= (LRG_1135t1); c.267-78460G>C (LRG_1135t2, NM_001098512.3).
Identifiers: ClinVar variation 508898 (VCV000508898.4), dbSNP rs913151254, ClinGen allele CA207067045.
Genomic context (GRCh38, chr10:51,074,704, plus strand): 5'-GAGGCAGCGGGATGCTCTCATCGACGAGCTGGAGCTGGAGTTGGATCAGAAGGACGAACT[G>C]ATCCAGAAGCTGCAGAACGAGCTGGACAAGTACCGCTCGGTGATCCGACCAGCCACCCAG-3'
Protein context (NP_006249.1, residues 28-48): LELELDQKDE[Leu38=]IQKLQNELDK

ClinVar aggregate classification (germline): Likely benign. Review status: criteria provided, multiple submitters, no conflicts (2 of 4 stars). 2 submissions from 2 submitters: Likely benign (2). Last evaluated 2022-11-11.

Conditions:
Aortic aneurysm, familial thoracic 8 (AAT8). Identifiers: MedGen C3809513, MONDO:0014187, OMIM 615436.

Allele frequency attached by ClinVar (database versions not stated): gnomAD 0.00001; gnomAD exomes 0.00001; TOPMed 0.00001.
gnomAD v4.1: 13 of 1,613,994 alleles (0.00081%); highest among the groups gnomAD compares: East Asian, 0.0089%; no homozygotes.

Submissions (2):

Labcorp Genetics (formerly Invitae), Labcorp
Classification: Likely benign for Aortic aneurysm, familial thoracic 8. Last evaluated: 2022-11-11. Review status: criteria provided, single submitter. Criteria: Invitae Variant Classification Sherloc (09022015). Collection method: clinical testing. Allele origin: germline.

GeneDx
Classification: Likely benign. Last evaluated: 2017-04-17. Review status: criteria provided, single submitter. Criteria: GeneDx Variant Classification (06012015). Collection method: clinical testing. Allele origin: germline. Affected: yes.
Comment: This variant is considered likely benign or benign based on one or more of the following criteria: it is a conservative change, it occurs at a poorly conserved position in the protein, it is predicted to be benign by multiple in silico algorithms, and/or has population frequency not consistent with disease.